The following is an entry in ClinVar:

NM_138413.4(HOGA1):c.68G>A (p.Gly23Glu)

Gene: HOGA1 (4-hydroxy-2-oxoglutarate aldolase 1; plus strand). Cytogenetic location: 10q24.2.
Variant type: single nucleotide variant.
Coding change: c.68G>A on transcript NM_138413.4 (MANE Select); coding-DNA position 68, G replaced by A.
Protein change: p.Gly23Glu; replaces glycine 23 with glutamic acid.
Molecular consequence: missense variant.
Genome position (GRCh38, 1-based): chr10:97,584,771, G>A. VCF-style: chr10-97584771-G-A. GRCh37 (hg19) VCF-style: chr10-99344528-G-A.
Other names: p.Gly23Glu; c.68G>A, p.Gly23Glu (NM_001134670.2); short protein forms G23E.
Identifiers: ClinVar variation 3379980 (VCV003379980.1).

ClinVar aggregate classification (germline): Uncertain significance (1 of 4 stars; one submission).

Submission:

Mayo Clinic Laboratories, Mayo Clinic
Classification: Uncertain significance. Last evaluated: 2024-06-11. Review status: criteria provided, single submitter. Criteria: ACMG Guidelines, 2015. Collection method: clinical testing. Allele origin: germline. Observed: 1 variant allele.
Comment: BP4, PM2